The following is an entry in ClinVar:

ClinVar aggregate classification (germline): Likely benign (1 of 4 stars; one submission).

Conditions:
Sulfite oxidase deficiency due to molybdenum cofactor deficiency type A. Also called: Molybdenum cofactor deficiency, complementation group A; Molybdenum Cofactor Deficiency A. Identifiers: Orphanet 308386, Orphanet 833, MedGen C1854988, MONDO:0009643, OMIM 252150.

Allele frequency attached by ClinVar (database versions not stated): gnomAD exomes 0.00036 and 0.00090; ExAC 0.00099; 1000 Genomes Project 0.00200; 1000 Genomes Project 30x 0.00281; gnomAD 0.00338 and 0.00377; TOPMed 0.00403.
gnomAD v4.1: 944 of 1,290,782 alleles (0.073%); highest among the groups gnomAD compares: African/African-American, 1.2%; 7 homozygotes.

Submission:

Illumina Laboratory Services, Illumina
Classification: Likely benign for Sulfite oxidase deficiency due to molybdenum cofactor deficiency type A. Last evaluated: 2018-01-13. Review status: criteria provided, single submitter. Criteria: ICSL Variant Classification Criteria 13 December 2019. Collection method: clinical testing. Allele origin: germline.
Comment: This variant was observed in the ICSL laboratory as part of a predisposition screen in an ostensibly healthy population. It had not been previously curated by ICSL or reported in the Human Gene Mutation Database (HGMD: prior to June 1st, 2018), and was therefore a candidate for classification through an automated scoring system. Utilizing variant allele frequency, disease prevalence and penetrance estimates, and inheritance mode, an automated score was calculated to assess if this variant is too frequent to cause the disease. Based on the score and internal cut-off values, a variant classified as likely benign is not then subjected to further curation. The score for this variant resulted in a classification of likely benign for this disease.

NM_001358530.2(MOCS1):c.*120C>T

Gene: MOCS1 (molybdenum cofactor synthesis 1; minus strand). Cytogenetic location: 6p21.2.
Variant type: single nucleotide variant.
Coding change: c.*120C>T on transcript NM_001358530.2 (MANE Select); 120 bases downstream of the stop codon, C replaced by T.
Molecular consequence: 3 prime UTR variant. On other transcripts: non-coding transcript variant (1).
Genome position (GRCh38, 1-based): chr6:39,906,237, G>A on the plus strand (C>T on the coding strand, the complement: MOCS1 is on the minus strand). VCF-style: chr6-39906237-G-A. GRCh37 (hg19) VCF-style: chr6-39874013-G-A.
Other names: c.*888C>T (NM_001075098.4, NM_001358533.2, NM_001358534.2 and 1 more transcripts); c.*120C>T (NM_001358529.2, NM_001358531.2).
Identifiers: ClinVar variation 906235 (VCV000906235.4), dbSNP rs188611081, ClinGen allele CA3795819.